The following is an entry in ClinVar:

NM_001134363.3(RBM20):c.1651A>G (p.Met551Val)

Gene: RBM20 (RNA binding motif protein 20; plus strand). Cytogenetic location: 10q25.2.
Variant type: single nucleotide variant.
Coding change: c.1651A>G on transcript NM_001134363.3 (MANE Select); coding-DNA position 1651, A replaced by G.
Protein change: p.Met551Val; replaces methionine 551 with valine.
Molecular consequence: missense variant.
Genome position (GRCh38, 1-based): chr10:110,797,631, A>G. VCF-style: chr10-110797631-A-G. GRCh37 (hg19) VCF-style: chr10-112557389-A-G.
Other names: short protein forms M551V.
Identifiers: ClinVar variation 3336938 (VCV003336938.2).

ClinVar aggregate classification (germline): Uncertain significance. Review status: criteria provided, multiple submitters, no conflicts (2 of 4 stars). 2 submissions from 2 submitters: Uncertain significance (2). Last evaluated 2025-10-28.

Conditions:
Cardiovascular phenotype. Identifiers: MedGen CN230736.

Submissions (2):

Ambry Genetics
Classification: Uncertain significance for Cardiovascular phenotype. Last evaluated: 2025-10-28. Review status: criteria provided, single submitter. Criteria: Ambry Variant Classification Scheme 2023. Collection method: clinical testing. Allele origin: germline.
Comment: The p.M551V variant (also known as c.1651A>G), located in coding exon 6 of the RBM20 gene, results from an A to G substitution at nucleotide position 1651. The methionine at codon 551 is replaced by valine, an amino acid with highly similar properties. This variant was reported in individual(s) with features consistent with dilated cardiomyopathy (Janin A et al. Mol Diagn Ther, 2021 May;25:373-385; Ambry internal data).This amino acid position is highly conserved in available vertebrate species. In addition, the in silico prediction for this alteration is inconclusive. Based on the available evidence, the clinical significance of this variant remains unclear.

Clinical Genetics Laboratory, Skane University Hospital Lund
Classification: Uncertain significance. Last evaluated: 2023-06-27. Review status: criteria provided, single submitter. Criteria: ACMG Guidelines, 2015. Collection method: clinical testing. Allele origin: germline. Affected: yes.

Literature cited by the submitters: PubMed 33954932 (cited by Ambry Genetics).